The following is an entry in ClinVar:

ClinVar aggregate classification (germline): Conflicting classifications of pathogenicity. Review status: criteria provided, conflicting classifications (1 of 4 stars). 3 submissions from 3 submitters: Uncertain significance (2); Likely benign (1). Last evaluated 2025-11-10.

Conditions:
Glutamate formiminotransferase deficiency. Also called: Arakawa syndrome 1; Formiminoglutamic aciduria. Identifiers: Orphanet 51208, MedGen C0268609, MONDO:0009240, OMIM 229100.

Allele frequency attached by ClinVar (database versions not stated): gnomAD 0.00006; ESP Exome Variant Server 0.00008; 1000 Genomes Project 30x 0.00016; TOPMed 0.00020; gnomAD exomes 0.00022 and 0.00030; ExAC 0.00035.
gnomAD v4.1: 365 of 1,553,964 alleles (0.023%); highest among the groups gnomAD compares: Middle Eastern, 1.2%; 1 homozygote.

Submissions (3):

Labcorp Genetics (formerly Invitae), Labcorp
Classification: Likely benign for Glutamate formiminotransferase deficiency. Last evaluated: 2025-11-10. Review status: criteria provided, single submitter. Criteria: Invitae Variant Classification Sherloc (09022015). Collection method: clinical testing. Allele origin: germline.

Mayo Clinic Laboratories, Mayo Clinic
Classification: Uncertain significance. Last evaluated: 2023-05-31. Review status: criteria provided, single submitter. Criteria: ACMG Guidelines, 2015. Collection method: clinical testing. Allele origin: germline. Observed: 1 variant allele.
Comment: PM2

GeneDx
Classification: Uncertain significance. Last evaluated: 2018-02-21. Review status: criteria provided, single submitter. Criteria: GeneDx Variant Classification (06012015). Collection method: clinical testing. Allele origin: germline. Affected: yes.
Comment: The V99A variant in the FTCD gene has not been reported previously as a pathogenic variant, nor as a benign variant, to our knowledge. The V99A variant is observed in 6/6152 (0.10%) alleles from individuals of non-Finnish European background in the ExAC dataset (Lek et al., 2016). The V99A variant is a conservative amino acid substitution, which occurs at a position where amino acids with similar properties to Valine are tolerated across species. In silico analysis predicts this variant is probably damaging to the protein structure/function. We interpret V99A as a variant of uncertain significance.

NM_206965.2(FTCD):c.296T>C (p.Val99Ala)

Gene: FTCD (formimidoyltransferase cyclodeaminase; minus strand). Cytogenetic location: 21q22.3.
Variant type: single nucleotide variant.
Coding change: c.296T>C on transcript NM_206965.2 (MANE Select); coding-DNA position 296, T replaced by C.
Protein change: p.Val99Ala; replaces valine 99 with alanine.
Molecular consequence: missense variant.
Genome position (GRCh38, 1-based): chr21:46,152,978, A>G on the plus strand (T>C on the coding strand, the complement: FTCD is on the minus strand). VCF-style: chr21-46152978-A-G. GRCh37 (hg19) VCF-style: chr21-47572892-A-G.
Other names: p.Val99Ala; c.296T>C, p.Val99Ala (NM_001320412.2, NM_006657.3); short protein forms V99A.
Identifiers: ClinVar variation 393153 (VCV000393153.12), dbSNP rs374097903, ClinGen allele CA10073978.
Genomic context (GRCh38, chr21:46,152,978, plus strand): 5'-AGCTCCTCTGCCAGCCTCTGGCCAAAGGCCTGGGCGCAGAGCACACACTCATCCACGCTG[A>G]CGCCCCTCACGGGGATGAAGGGGCAGACGTCTAGGGCCCCCATGCGGGGGTGCTCTCCTG-3'
Protein context (NP_996848.1, residues 89-109): DVCPFIPVRG[Val99Ala]SVDECVLCAQ